The following is an entry in ClinVar:

NM_002968.3(SALL1):c.2778G>A (p.Met926Ile)

Gene: SALL1 (spalt like transcription factor 1; minus strand). Cytogenetic location: 16q12.1.
Variant type: single nucleotide variant.
Coding change: c.2778G>A on transcript NM_002968.3 (MANE Select); coding-DNA position 2778, G replaced by A.
Protein change: p.Met926Ile; replaces methionine 926 with isoleucine.
Molecular consequence: missense variant.
Genome position (GRCh38, 1-based): chr16:51,139,444, C>T on the plus strand (G>A on the coding strand, the complement: SALL1 is on the minus strand). VCF-style: chr16-51139444-C-T. GRCh37 (hg19) VCF-style: chr16-51173355-C-T.
Other names: c.2487G>A, p.Met829Ile (NM_001127892.2); short protein forms M829I, M926I.
Identifiers: ClinVar variation 3345014 (VCV003345014.1).
Genomic context (GRCh38, chr16:51,139,444, plus strand): 5'-CTCCTCAATGCTGGGTGACTTGTGGAACTCCTGCGTGCTGTTGGACGGGGACAGAGCCTG[C>T]ATGGAAGAGGTAGACTCTGAGATGGCTGGGCTGCCAGCACTTTGGCTTTCCATGTCACCA-3'
Protein context (NP_002959.2, residues 916-936): SPAISESTSS[Met926Ile]QALSPSNSTQ

ClinVar aggregate classification (germline): Uncertain significance (0 of 4 stars; one submission).

Conditions:
SALL1-related disorder. Also called: SALL1-related condition.

Submission:

PreventionGenetics, part of Exact Sciences
Classification: Uncertain significance for SALL1-related condition. Last evaluated: 2024-08-22. Review status: no assertion criteria provided. Collection method: clinical testing. Allele origin: germline.
Comment: The SALL1 c.2778G>A variant is predicted to result in the amino acid substitution p.Met926Ile. To our knowledge, this variant has not been reported in the literature or in a large population database, indicating this variant is rare. At this time, the clinical significance of this variant is uncertain due to the absence of conclusive functional and genetic evidence.